The following is an entry in ClinVar:

NM_002617.4(PEX10):c.166del (p.Ala56fs)

Gene: PEX10 (peroxisomal biogenesis factor 10; minus strand). Cytogenetic location: 1p36.32.
Variant type: Deletion.
Coding change: c.166del on transcript NM_002617.4 (MANE Select); coding-DNA position 166, one base deleted (G; older notation c.166delG).
Protein change: p.Ala56fs; shifts the reading frame from alanine 56.
Molecular consequence: frameshift variant. On other transcripts: 5 prime UTR variant (2), non-coding transcript variant (1).
Genome position (GRCh38, 1-based): chr1:2,410,398, C deleted on the plus strand (G on the coding strand, the reverse complement: PEX10 is on the minus strand); the first of 2 consecutive C bases (chr1:2,410,398-2,410,399); deleting either gives the same sequence. VCF-style (leftmost placement, unchanged base first): chr1-2410397-GC-G. GRCh37 (hg19) VCF-style: chr1-2341836-GC-G.
Other names: c.166del, p.Ala56fs (NM_001374425.1, NM_153818.2); c.-267del (NM_001374426.1, NM_001374427.1); short protein forms A56fs.
Identifiers: ClinVar variation 5013371 (VCV005013371.1).
Genomic context (GRCh38, chr1:2,410,397, plus strand): 5'-GCCCTCAGTCCTGAGGTCCCGTGGGAGCTTCTACCTGCAAGTGTGGTGAGGCCAAAGTAG[GC>G]CACATCTGAGAGCAGCTCAACCTCCTTCCTCCACTCCAGCCACTTCCTCGCACCTGAGAG-3'

ClinVar aggregate classification (germline): Pathogenic (1 of 4 stars; one submission).

Conditions:
Peroxisome biogenesis disorder. Identifiers: Orphanet 79189, MedGen C1832200, MONDO:0019234. Disease mechanism: loss of function.

Submission:

Myriad Genetics, Inc.
Classification: Pathogenic for Peroxisome biogenesis disorder. Last evaluated: 2024-07-26. Review status: criteria provided, single submitter. Criteria: Myriad Autosomal Dominant, Autosomal Recessive and X-Linked Classification Criteria (2023). Collection method: clinical testing. Allele origin: unknown.
Comment: NM_153818.1(PEX10):c.166delG(A56Pfs*41) is expected to be pathogenic in the context of peroxisome biogenesis disorder type 6. This variant is predicted to lead to an abnormal or absent protein product due to the creation of a premature termination codon in PEX10, a gene where loss-of-function variants are known to be pathogenic. Please note: this variant was assessed in the context of healthy population screening.